The following is an entry in ClinVar:

ClinVar aggregate classification (germline): Pathogenic/Likely pathogenic. Review status: criteria provided, multiple submitters, no conflicts (2 of 4 stars). 2 submissions from 2 submitters: Pathogenic (1); Likely pathogenic (1). Last evaluated 2025-11-23.

Conditions:
3 beta-Hydroxysteroid dehydrogenase deficiency. Also called: 3-BETA-HSD DEFICIENCY; ADRENAL HYPERPLASIA II; 3b-hydroxysteroid dehydrogenase deficiency; Congenital adrenal hyperplasia due to 3-beta-hydroxysteroid dehydrogenase deficiency; ADRENAL HYPERPLASIA, CONGENITAL, DUE TO 3-BETA-HYDROXYSTEROID DEHYDROGENASE 2 DEFICIENCY. Identifiers: Orphanet 90791, MedGen C0342471, MeSH C538236, MONDO:0008727, OMIM 201810. Disease mechanism: loss of function.

Allele frequency attached by ClinVar (database versions not stated): TOPMed below 0.00001; ExAC 0.00001.

Submissions (2):

Natera, Inc.
Classification: Likely pathogenic for 3 beta hydroxysteroid dehydrogenase deficiency. Last evaluated: 2025-11-23. Review status: criteria provided, single submitter. Criteria: Natera Variant Classification Schema (03/2026). Collection method: clinical testing. Allele origin: germline.
Comment: The c.540C>A variant in HSD3B2 is a nonsense variant predicted to introduce a stop codon at amino acid 180. This variant is expected to result in nonsense mediated decay, truncation, or a dysfunctional protein product. This variant is rare in the general population with a frequency below the threshold expected for the associated phenotype(s). Given the available evidence, this variant is classified as Likely Pathogenic.

Labcorp Genetics (formerly Invitae), Labcorp
Classification: Pathogenic. Last evaluated: 2024-02-22. Review status: criteria provided, single submitter. Criteria: Invitae Variant Classification Sherloc (09022015). Collection method: clinical testing. Allele origin: germline.
Comment: This sequence change creates a premature translational stop signal (p.Tyr180*) in the HSD3B2 gene. While this is not anticipated to result in nonsense mediated decay, it is expected to disrupt the last 193 amino acid(s) of the HSD3B2 protein. This variant is present in population databases (rs759383948, gnomAD 0.0009%). This variant has not been reported in the literature in individuals affected with HSD3B2-related conditions. ClinVar contains an entry for this variant (Variation ID: 2202833). This variant disrupts the C-terminus of the HSD3B2 protein, which has been demonstrated to be critical for enzymatic activity (PMID: 1825279). While functional studies have not been performed to directly test the effect of this variant on HSD3B2 protein function, this suggests that disruption of this region of the protein is causative of disease. This variant disrupts a region of the HSD3B2 protein in which other variant(s) (p.Pro222Gln) have been determined to be pathogenic (PMID: 10599696, 15585552, 21340167, 25211449). This suggests that this is a clinically significant region of the protein, and that variants that disrupt it are likely to be disease-causing. For these reasons, this variant has been classified as Pathogenic.

Literature cited by the submitters: PubMed 1825279 (cited by Labcorp Genetics (formerly Invitae), Labcorp); PubMed 10599696 (cited by Labcorp Genetics (formerly Invitae), Labcorp); PubMed 15585552 (cited by Labcorp Genetics (formerly Invitae), Labcorp); PubMed 21340167 (cited by Labcorp Genetics (formerly Invitae), Labcorp); PubMed 25211449 (cited by Labcorp Genetics (formerly Invitae), Labcorp).

NM_000198.4(HSD3B2):c.540C>A (p.Tyr180Ter)

Gene: HSD3B2 (hydroxy-delta-5-steroid dehydrogenase, 3 beta- and steroid delta-isomerase 2; plus strand). Cytogenetic location: 1p12.
Variant type: single nucleotide variant.
Coding change: c.540C>A on transcript NM_000198.4 (MANE Select); coding-DNA position 540, C replaced by A.
Protein change: p.Tyr180Ter; replaces tyrosine 180 with a stop codon.
Molecular consequence: nonsense.
Genome position (GRCh38, 1-based): chr1:119,422,041, C>A. VCF-style: chr1-119422041-C-A. GRCh37 (hg19) VCF-style: chr1-119964664-C-A.
Other names: c.540C>A, p.Tyr180Ter (NM_001166120.2); c.540C>A (NM_000198.3); short protein forms Y180*.
Identifiers: ClinVar variation 2202833 (VCV002202833.5), dbSNP rs759383948, ClinGen allele CA1035991.